The following is an entry in ClinVar:

NM_024757.5(EHMT1):c.3280T>A (p.Phe1094Ile)

Gene: EHMT1 (euchromatic histone lysine methyltransferase 1; plus strand). Cytogenetic location: 9q34.3.
Variant type: single nucleotide variant.
Coding change: c.3280T>A on transcript NM_024757.5 (MANE Select); coding-DNA position 3280, T replaced by A.
Protein change: p.Phe1094Ile; replaces phenylalanine 1094 with isoleucine.
Molecular consequence: missense variant.
Genome position (GRCh38, 1-based): chr9:137,815,968, T>A. VCF-style: chr9-137815968-T-A. GRCh37 (hg19) VCF-style: chr9-140710420-T-A.
Other names: c.3259T>A, p.Phe1087Ile (NM_001354263.2); short protein forms F1087I, F1094I.
Identifiers: ClinVar variation 1676136 (VCV001676136.33), dbSNP rs1588868863, ClinGen allele CA375796187.
Genomic context (GRCh38, chr9:137,815,968, plus strand): 5'-GTAACCTCTGCTGGGCCCTTGCTGCTCATCTGTCCACAGGATGGCCGGCTCCTGCCAGAG[T>A]TCAACATGGCGGAGCCTCCCTTGATCTTCGAATGCAACCACGCGTGCTCCTGCTGGAGGA-3'
Protein context (NP_079033.4, residues 1084-1104): YDKDGRLLPE[Phe1094Ile]NMAEPPLIFE

ClinVar aggregate classification (germline): Uncertain significance (1 of 4 stars; one submission).

Submission:

CeGaT Center for Human Genetics Tuebingen
Classification: Uncertain significance. Last evaluated: 2022-03-01. Review status: criteria provided, single submitter. Criteria: CeGaT Center For Human Genetics Tuebingen Variant Classification Criteria Version 2. Collection method: clinical testing. Allele origin: germline. Affected: yes. Observed: 1 variant allele.
Comment: EHMT1: PM2, PP3